The following is an entry in ClinVar:

ClinVar aggregate classification (germline): Pathogenic (1 of 4 stars; one submission).

Conditions:
Pyruvate carboxylase deficiency. Also called: ATAXIA WITH LACTIC ACIDOSIS II; LEIGH NECROTIZING ENCEPHALOPATHY DUE TO PYRUVATE CARBOXYLASE DEFICIENCY; LEIGH SYNDROME DUE TO PYRUVATE CARBOXYLASE DEFICIENCY; PC DEFICIENCY; Pyruvate Carboxylase Deficiency Disease. Identifiers: Orphanet 3008, MedGen C0034341, MONDO:0009949, OMIM 266150.

Submission:

Labcorp Genetics (formerly Invitae), Labcorp
Classification: Pathogenic for Pyruvate carboxylase deficiency. Last evaluated: 2023-02-08. Review status: criteria provided, single submitter. Criteria: Invitae Variant Classification Sherloc (09022015). Collection method: clinical testing. Allele origin: germline.
Comment: For these reasons, this variant has been classified as Pathogenic. This variant has not been reported in the literature in individuals affected with PC-related conditions. This variant is not present in population databases (gnomAD no frequency). This sequence change creates a premature translational stop signal (p.Gly1041Glufs*7) in the PC gene. It is expected to result in an absent or disrupted protein product. Loss-of-function variants in PC are known to be pathogenic (PMID: 12112657, 19306334).

Literature cited by the submitters: PubMed 12112657; PubMed 19306334.

NM_001040716.2(PC):c.3122_3126del (p.Gly1041fs)

Gene: PC (pyruvate carboxylase; minus strand). Cytogenetic location: 11q13.2.
Variant type: Deletion.
Coding change: c.3122_3126del on transcript NM_001040716.2 (MANE Select); coding-DNA positions 3122 to 3126, 5 bases deleted (GACCC; older notation c.3122_3126delGACCC).
Protein change: p.Gly1041fs; shifts the reading frame from glycine 1041.
Molecular consequence: frameshift variant.
Genome position (GRCh38, 1-based): chr11:66,849,632-66,849,636, GGGTC deleted on the plus strand (GACCC on the coding strand, the reverse complement: PC is on the minus strand). VCF-style (leftmost placement, unchanged base first): chr11-66849631-TGGGTC-T. GRCh37 (hg19) VCF-style: chr11-66617102-TGGGTC-T.
Other names: c.3122_3126del, p.Gly1041fs (NM_000920.4, NM_022172.3); short protein forms G1041fs.
Identifiers: ClinVar variation 2835263 (VCV002835263.3), dbSNP rs2495400122, ClinGen allele CA2739270591.